The following is an entry in ClinVar:

ClinVar aggregate classification (germline): Conflicting classifications of pathogenicity. Review status: criteria provided, conflicting classifications (1 of 4 stars). 2 submissions from 2 submitters: Likely pathogenic (1); Uncertain significance (1). Last evaluated 2023-09-01.

Conditions:
Infantile nephronophthisis (NPHP2). Also called: Nephronophthisis 2, infantile; Nephronophthisis 2. Identifiers: Orphanet 655, Orphanet 93591, MedGen C1865872, MONDO:0011190, OMIM 602088.
Nephronophthisis. Also called: Juvenile Nephronophthisis. Identifiers: Orphanet 655, MedGen C0687120, MONDO:0019005, HP:0000090.

Allele frequency attached by ClinVar (database versions not stated): gnomAD exomes 0.00001 and below 0.00001.
gnomAD v4.1: 4 of 1,610,630 alleles (0.00025%); highest among the groups gnomAD compares: South Asian, 0.0022%; no homozygotes.

Submissions (2):

Labcorp Genetics (formerly Invitae), Labcorp
Classification: Likely pathogenic for Nephronophthisis. Last evaluated: 2023-09-01. Review status: criteria provided, single submitter. Criteria: Invitae Variant Classification Sherloc (09022015). Collection method: clinical testing. Allele origin: germline.
Comment: In summary, the currently available evidence indicates that the variant is pathogenic, but additional data are needed to prove that conclusively. Therefore, this variant has been classified as Likely Pathogenic. Variants that disrupt the consensus splice site are a relatively common cause of aberrant splicing (PMID: 17576681, 9536098). Studies have shown that this variant results in skipping of exon 6 and introduces a premature termination codon (PMID: 31706999). The resulting mRNA is expected to undergo nonsense-mediated decay. ClinVar contains an entry for this variant (Variation ID: 1332716). This variant has been observed in individual(s) with infantile nephronophthisis (PMID: 31706999). In at least one individual the data is consistent with being in trans (on the opposite chromosome) from a pathogenic variant. This variant is present in population databases (no rsID available, gnomAD 0.006%). This sequence change falls in intron 6 of the INVS gene. It does not directly change the encoded amino acid sequence of the INVS protein. RNA analysis indicates that this variant induces altered splicing and may result in an absent or disrupted protein product.

Kasturba Medical College, Manipal, Kasturba Medical College, Manipal, Manipal Academy of Higher Education, Manipal, India
Classification: Uncertain significance for Infantile nephronophthisis. Review status: criteria provided, single submitter. Criteria: ACMG Guidelines, 2015. Collection method: clinical testing. Allele origin: inherited. Affected: yes.

Literature cited by the submitters: PubMed 17576681 (cited by Labcorp Genetics (formerly Invitae), Labcorp); PubMed 9536098 (cited by Labcorp Genetics (formerly Invitae), Labcorp); PubMed 31706999 (cited by Labcorp Genetics (formerly Invitae), Labcorp).

NM_014425.5(INVS):c.796+5G>A

Gene: INVS (inversin; plus strand). Cytogenetic location: 9q31.1.
Variant type: single nucleotide variant.
Coding change: c.796+5G>A on transcript NM_014425.5 (MANE Select); 5 bases into the intron after coding-DNA position 796, G replaced by A.
Molecular consequence: intron variant.
Genome position (GRCh38, 1-based): chr9:100,240,245, G>A. VCF-style: chr9-100240245-G-A. GRCh37 (hg19) VCF-style: chr9-103002527-G-A.
Other names: c.508+5G>A (NM_001318381.2); c.-194+5G>A (NM_001318382.2).
Identifiers: ClinVar variation 1332716 (VCV001332716.5), dbSNP rs1272619479, ClinGen allele CA590046838.